The following is an entry in ClinVar:

NM_000026.4(ADSL):c.445C>T (p.Arg149Ter)

Gene: ADSL (adenylosuccinate lyase; plus strand). Cytogenetic location: 22q13.1.
Variant type: single nucleotide variant.
Coding change: c.445C>T on transcript NM_000026.4 (MANE Select); coding-DNA position 445, C replaced by T.
Protein change: p.Arg149Ter; replaces arginine 149 with a stop codon.
Molecular consequence: nonsense. On other transcripts: non-coding transcript variant (1).
Genome position (GRCh38, 1-based): chr22:40,354,290, C>T. VCF-style: chr22-40354290-C-T. GRCh37 (hg19) VCF-style: chr22-40750294-C-T.
Other names: c.445C>T, p.Arg149Ter (NM_001123378.3, NM_001363840.3, NM_001410812.1 and 1 more transcripts); c.253C>T, p.Arg85Ter (NM_001317923.2); c.400C>T, p.Arg134Ter (NM_001410814.1); short protein forms R85*, R134*, R149*.
Identifiers: ClinVar variation 2154932 (VCV002154932.7), dbSNP rs780482118, ClinGen allele CA411639038.

ClinVar aggregate classification (germline): Pathogenic/Likely pathogenic. Review status: criteria provided, multiple submitters, no conflicts (2 of 4 stars). 3 submissions from 3 submitters: Pathogenic (1); Likely pathogenic (2). Last evaluated 2024-05-20.

Conditions:
ADSL-related disorder. Also called: ADSL-related condition.
Adenylosuccinate lyase deficiency (ADSLD). Also called: ADSL DEFICIENCY. Identifiers: Orphanet 46, MedGen C0268126, MONDO:0007068, OMIM 103050.

Allele frequency attached by ClinVar (database versions not stated): gnomAD exomes below 0.00001.
gnomAD v4.1: 4 of 1,613,742 alleles (0.00025%); highest among the groups gnomAD compares: South Asian, 0.0011%; no homozygotes.

Submissions (3):

Blueprint Genetics
Classification: Likely pathogenic for ADSL-related disorders. Last evaluated: 2024-05-20. Review status: criteria provided, single submitter. Criteria: ACMG Guidelines, 2015. Collection method: clinical testing. Allele origin: germline. Affected: yes. Observed: 3 variant alleles.

Labcorp Genetics (formerly Invitae), Labcorp
Classification: Pathogenic for Adenylosuccinate lyase deficiency. Last evaluated: 2022-08-11. Review status: criteria provided, single submitter. Criteria: Invitae Variant Classification Sherloc (09022015). Collection method: clinical testing. Allele origin: germline.
Comment: This variant has not been reported in the literature in individuals affected with ADSL-related conditions. For these reasons, this variant has been classified as Pathogenic. This variant is not present in population databases (gnomAD no frequency). This sequence change creates a premature translational stop signal (p.Arg149*) in the ADSL gene. It is expected to result in an absent or disrupted protein product. Loss-of-function variants in ADSL are known to be pathogenic (PMID: 10888601, 20177786).

Juno Genomics, Hangzhou Juno Genomics, Inc
Classification: Likely pathogenic for Adenylosuccinate lyase deficiency. Review status: criteria provided, single submitter. Criteria: ACMG Guidelines, 2015. Collection method: clinical testing. Allele origin: germline. Affected: yes.
Comment: Null variant in a gene where loss of function (LOF) is a known mechanism of disease.;Absent from controls (or at extremely low frequency if recessive) in Genome Aggregation Database, Exome Sequencing Project, 1000 Genomes Project, or Exome Aggregation Consortium.

Literature cited by the submitters: PubMed 10888601 (cited by Labcorp Genetics (formerly Invitae), Labcorp); PubMed 20177786 (cited by Labcorp Genetics (formerly Invitae), Labcorp).